The following is an entry in ClinVar:

NM_001302769.2(PARD3B):c.1925-2A>G

Gene: PARD3B (par-3 family cell polarity regulator beta; plus strand). Cytogenetic location: 2q33.3.
Variant type: single nucleotide variant.
Coding change: c.1925-2A>G on transcript NM_001302769.2 (MANE Select); the canonical splice acceptor site of the intron before coding-DNA position 1925, A replaced by G.
Molecular consequence: splice acceptor variant.
Genome position (GRCh38, 1-based): chr2:205,185,762, A>G. VCF-style: chr2-205185762-A-G. GRCh37 (hg19) VCF-style: chr2-206050486-A-G.
Other names: c.1925-2A>G (NM_205863.4, NM_057177.7); c.1739-2A>G (NM_152526.6).
Identifiers: ClinVar variation 5001881 (VCV005001881.1).

ClinVar aggregate classification (germline): Uncertain significance (1 of 4 stars; one submission).

Conditions:
PARD3B-related disorder. Also called: PARD3B-related condition.

Submission:

PreventionGenetics, part of Exact Sciences
Classification: Uncertain significance for PARD3B-related condition. Last evaluated: 2026-09-18. Review status: criteria provided, single submitter. Criteria: ACMG Guidelines, 2015. Collection method: clinical testing. Allele origin: germline.
Comment: The PARD3B c.1925-2A>G variant is predicted to disrupt the AG splice acceptor site and interfere with normal splicing. Although the impact of this variant on splicing is not known, exon skipping would lead to an out-of-frame protein product. To our knowledge, this variant has not been reported in the literature or in a large population database (gnomAD), indicating this variant is rare. Loss-of-function has not been established as a disease mechanism for this gene. At this time, the clinical significance of this variant is uncertain due to the absence of conclusive functional and genetic evidence.